The following is an entry in ClinVar:

ClinVar aggregate classification (germline): Uncertain significance (1 of 4 stars; one submission).

Submission:

Ambry Genetics
Classification: Uncertain significance. Last evaluated: 2025-05-29. Review status: criteria provided, single submitter. Criteria: Ambry Variant Classification Scheme 2023. Collection method: clinical testing. Allele origin: germline.
Comment: The p.S630N variant (also known as c.1889G>A), located in coding exon 8 of the WNK2 gene, results from a G to A substitution at nucleotide position 1889. The serine at codon 630 is replaced by asparagine, an amino acid with highly similar properties. This amino acid position is conserved. In addition, this alteration is predicted to be tolerated by in silico analysis. Based on the available evidence, the clinical significance of this variant remains unclear.

NM_006648.4(WNK2):c.1889G>A (p.Ser630Asn)

Gene: WNK2 (WNK lysine deficient protein kinase 2; plus strand). Cytogenetic location: 9q22.31.
Variant type: single nucleotide variant.
Coding change: c.1889G>A on transcript NM_006648.4 (MANE Select); coding-DNA position 1889, G replaced by A.
Protein change: p.Ser630Asn; replaces serine 630 with asparagine.
Molecular consequence: missense variant.
Genome position (GRCh38, 1-based): chr9:93,252,937, G>A. VCF-style: chr9-93252937-G-A. GRCh37 (hg19) VCF-style: chr9-96015219-G-A.
Other names: c.1889G>A, p.Ser630Asn (NM_001282394.3); short protein forms S630N.
Identifiers: ClinVar variation 3982130 (VCV003982130.1).